The following is an entry in ClinVar:

ClinVar aggregate classification (germline): Uncertain significance (1 of 4 stars; one submission).

Conditions:
46,XY sex reversal 9 (SRXY9). Also called: 46,XY SEX REVERSAL, ZFPM2-RELATED. Identifiers: Orphanet 251510, MedGen C4015129, MONDO:0014480, OMIM 616067.

gnomAD v4.1: 8 of 1,610,516 alleles (0.0005%); highest among the groups gnomAD compares: Middle Eastern, 0.017%; no homozygotes.

Submission:

Labcorp Genetics (formerly Invitae), Labcorp
Classification: Uncertain significance for 46,XY sex reversal 9. Last evaluated: 2025-01-22. Review status: criteria provided, single submitter. Criteria: Invitae Variant Classification Sherloc (09022015). Collection method: clinical testing. Allele origin: germline.
Comment: This sequence change replaces serine, which is neutral and polar, with leucine, which is neutral and non-polar, at codon 1143 of the ZFPM2 protein (p.Ser1143Leu). This variant is not present in population databases (gnomAD no frequency). This variant has not been reported in the literature in individuals affected with ZFPM2-related conditions. An algorithm developed to predict the effect of missense changes on protein structure and function (PolyPhen-2) suggests that this variant is likely to be disruptive. In summary, the available evidence is currently insufficient to determine the role of this variant in disease. Therefore, it has been classified as a Variant of Uncertain Significance.

NM_012082.4(ZFPM2):c.3428C>T (p.Ser1143Leu)

Genes: ZFPM2 (zinc finger protein, FOG family member 2; plus strand), ZFPM2-AS1 (ZFPM2 antisense RNA 1; minus strand). Cytogenetic location: 8q23.1.
Variant type: single nucleotide variant.
Coding change: c.3428C>T on transcript NM_012082.4 (MANE Select); coding-DNA position 3428, C replaced by T.
Protein change: p.Ser1143Leu; replaces serine 1143 with leucine.
Molecular consequence: missense variant.
Genome position (GRCh38, 1-based): chr8:105,803,510, C>T. VCF-style: chr8-105803510-C-T. GRCh37 (hg19) VCF-style: chr8-106815738-C-T.
Other names: c.3269C>T, p.Ser1090Leu (NM_001362836.2); c.3032C>T, p.Ser1011Leu (NM_001362837.2); short protein forms S1090L, S1143L, S1011L.
Identifiers: ClinVar variation 3654550 (VCV003654550.2).